The following is an entry in ClinVar:

ClinVar aggregate classification (germline): Likely pathogenic. Review status: criteria provided, single submitter (1 of 4 stars). 2 submissions from 2 submitters: Likely pathogenic (1). 1 of the submissions does not count toward it. Last evaluated 2018-10-15.

Conditions:
Short stature, facial dysmorphism, and skeletal anomalies with or without cardiac anomalies 1. Identifiers: MedGen C5542952, MONDO:0100297, OMIM 617877.
Short stature, facial dysmorphism, and skeletal anomalies with or without cardiac anomalies. Identifiers: MedGen CN294045, MONDO:0031439, MONDO:0060649.

Submissions (2):

SIB Swiss Institute of Bioinformatics
Classification: Likely pathogenic for Short stature, facial dysmorphism, and skeletal anomalies with or without cardiac anomalies 1. Last evaluated: 2018-10-15. Review status: criteria provided, single submitter. Criteria: ACMG Guidelines, 2015. Collection method: curation. Allele origin: unknown.
Comment: This variant is interpreted as Likely Pathogenic, for Short stature, facial dysmorphism, and skeletal anomalies with or without cardiac anomalies, autosomal dominant. The following ACMG Tag(s) were applied: PM2 => Absent from controls (or at extremely low frequency if recessive) in Exome Sequencing Project, 1000 Genomes Project, or Exome Aggregation Consortium. PVS1 => Predicted nullvariant in a gene where LOF is a known mechanism of disease (PubMed 29198724).

OMIM
Classification: Pathogenic for SHORT STATURE, FACIAL DYSMORPHISM, AND SKELETAL ANOMALIES WITHOUT CARDIAC ANOMALIES 1. Last evaluated: 2021-02-15. Review status: no assertion criteria provided. Collection method: literature only. Allele origin: germline. Not counted in ClinVar's aggregate classification.

Literature cited by the submitters: PubMed 29198724 (cited by SIB Swiss Institute of Bioinformatics and OMIM).

NM_001200.4(BMP2):c.79G>T (p.Glu27Ter)

Gene: BMP2 (bone morphogenetic protein 2; plus strand). Cytogenetic location: 20p12.3.
Variant type: single nucleotide variant.
Coding change: c.79G>T on transcript NM_001200.4 (MANE Select); coding-DNA position 79, G replaced by T.
Protein change: p.Glu27Ter; replaces glutamic acid 27 with a stop codon.
Molecular consequence: nonsense.
Genome position (GRCh38, 1-based): chr20:6,770,205, G>T. VCF-style: chr20-6770205-G-T. GRCh37 (hg19) VCF-style: chr20-6750852-G-T.
Other names: short protein forms E27*.
Identifiers: ClinVar variation 492934 (VCV000492934.6), dbSNP rs1555785715, ClinGen allele CA408260194.